The following is an entry in ClinVar:

NM_001385001.1(MCTP2):c.1404A>G (p.Thr468=)

Gene: MCTP2 (multiple C2 and transmembrane domain containing 2; plus strand). Cytogenetic location: 15q26.2.
Variant type: single nucleotide variant.
Coding change: c.1404A>G on transcript NM_001385001.1 (MANE Select); coding-DNA position 1404, A replaced by G.
Protein change: p.Thr468=; no amino-acid change (threonine 468 retained).
Molecular consequence: synonymous variant. On other transcripts: non-coding transcript variant (7).
Genome position (GRCh38, 1-based): chr15:94,367,707, A>G. VCF-style: chr15-94367707-A-G. GRCh37 (hg19) VCF-style: chr15-94910936-A-G.
Other names: c.1404A>G, p.Thr468= (NM_001159643.2, NM_001385002.1, NM_001385003.1 and 5 more transcripts); c.168A>G, p.Thr56= (NM_001159644.2); c.1122A>G, p.Thr374= (NM_001385007.1); c.906A>G, p.Thr302= (NM_001385009.1, NM_001385010.1); c.1086A>G, p.Thr362= (NM_001385011.1).
Identifiers: ClinVar variation 717032 (VCV000717032.7), dbSNP rs146815647, ClinGen allele CA7749969.

ClinVar aggregate classification (germline): Benign. Review status: criteria provided, multiple submitters, no conflicts (2 of 4 stars). 3 submissions from 3 submitters: Benign (2). 1 of the submissions does not count toward it. Last evaluated 2019-12-31.

Conditions:
MCTP2-related disorder. Also called: MCTP2-related condition.

Allele frequency attached by ClinVar (database versions not stated): gnomAD exomes 0.00071 and 0.00178; ExAC 0.00186; gnomAD 0.00543 and 0.00584; ESP Exome Variant Server 0.00616; 1000 Genomes Project 0.00659; TOPMed 0.00685; 1000 Genomes Project 30x 0.00750.
gnomAD v4.1: 1,922 of 1,610,244 alleles (0.12%); highest among the groups gnomAD compares: African/African-American, 1.8%; 18 homozygotes.

Submissions (3):

Labcorp Genetics (formerly Invitae), Labcorp
Classification: Benign. Last evaluated: 2019-12-31. Review status: criteria provided, single submitter. Criteria: Invitae Variant Classification Sherloc (09022015). Collection method: clinical testing. Allele origin: germline.

Breakthrough Genomics
Classification: Benign. Review status: criteria provided, single submitter. Criteria: ACMG Guidelines, 2015. Collection method: not provided. Allele origin: germline. Inheritance: Unknown mechanism. Affected: yes.

PreventionGenetics, part of Exact Sciences
Classification: Benign for MCTP2-related condition. Last evaluated: 2024-02-22. Review status: no assertion criteria provided. Collection method: clinical testing. Allele origin: germline. Not counted in ClinVar's aggregate classification.
Comment: This variant is classified as benign based on ACMG/AMP sequence variant interpretation guidelines (Richards et al. 2015 PMID: 25741868, with internal and published modifications).